The following is an entry in ClinVar:

NM_000179.3(MSH6):c.3257C>A (p.Pro1086His)

Gene: MSH6 (mutS homolog 6; plus strand). Cytogenetic location: 2p16.3.
Variant type: single nucleotide variant.
Coding change: c.3257C>A on transcript NM_000179.3 (MANE Select); coding-DNA position 3257, C replaced by A.
Protein change: p.Pro1086His; replaces proline 1086 with histidine.
Molecular consequence: missense variant.
Genome position (GRCh38, 1-based): chr2:47,803,504, C>A. VCF-style: chr2-47803504-C-A. GRCh37 (hg19) VCF-style: chr2-48030643-C-A.
Other names: c.2867C>A, p.Pro956His (NM_001281492.2); c.2351C>A, p.Pro784His (NM_001281493.2, NM_001281494.2); short protein forms P1086H, P784H, P956H.
Identifiers: ClinVar variation 421879 (VCV000421879.28), dbSNP rs780345806, ClinGen allele CA070513.

ClinVar aggregate classification (germline): Conflicting classifications of pathogenicity. Review status: criteria provided, conflicting classifications (1 of 4 stars). 6 submissions from 6 submitters: Uncertain significance (5); Benign (1). Last evaluated 2025-10-13.

Conditions:
Hereditary cancer-predisposing syndrome. Also called: Hereditary neoplastic syndrome; Neoplastic Syndromes, Hereditary; Tumor predisposition; Hereditary Cancer Syndrome. Identifiers: Orphanet 140162, MedGen C0027672, MeSH D009386, MONDO:0015356.
Hereditary nonpolyposis colorectal neoplasms. Identifiers: MedGen C0009405, MeSH D003123.
Lynch syndrome. Identifiers: Orphanet 144, MedGen C4552100, MONDO:0005835. Disease mechanism: loss of function.
Lynch syndrome 5 (LYNCH5). Also called: Hereditary non-polyposis colorectal cancer, type 5; Colorectal cancer, hereditary nonpolyposis, type 5. Identifiers: Orphanet 144, MedGen C1833477, MONDO:0013710, OMIM 614350. Disease mechanism: loss of function.

Allele frequency attached by ClinVar (database versions not stated): TOPMed 0.00001.
gnomAD v4.1: 10 of 1,614,008 alleles (0.00062%); highest among the groups gnomAD compares: Middle Eastern, 0.016%; no homozygotes.

Submissions (6):

Labcorp Genetics (formerly Invitae), Labcorp
Classification: Benign for Hereditary nonpolyposis colorectal neoplasms. Last evaluated: 2025-10-13. Review status: criteria provided, single submitter. Criteria: Invitae Variant Classification Sherloc (09022015). Collection method: clinical testing. Allele origin: germline.

Ambry Genetics
Classification: Uncertain significance for Hereditary cancer-predisposing syndrome. Last evaluated: 2025-07-23. Review status: criteria provided, single submitter. Criteria: Ambry Variant Classification Scheme 2023. Collection method: clinical testing. Allele origin: germline.
Comment: The p.P1086H variant (also known as c.3257C>A), located in coding exon 5 of the MSH6 gene, results from a C to A substitution at nucleotide position 3257. The proline at codon 1086 is replaced by histidine, an amino acid with similar properties. This amino acid position is not well conserved in available vertebrate species. In addition, this alteration is predicted to be tolerated by in silico analysis. Based on the available evidence, the clinical significance of this variant remains unclear.

All of Us Research Program, National Institutes of Health
Classification: Uncertain significance for Lynch syndrome. Last evaluated: 2024-05-30. Review status: criteria provided, single submitter. Criteria: ACMG Guidelines, 2015. Collection method: clinical testing. Allele origin: germline. Inheritance: Autosomal dominant inheritance. Observed: 3 variant alleles, 3 heterozygotes.
Comment: This missense variant replaces proline with histidine at codon 1086 of the MSH6 protein. Computational prediction suggests that this variant may not impact protein structure and function (internally defined REVEL score threshold <= 0.5, PMID: 27666373). To our knowledge, functional studies have not been reported for this variant. This variant has not been reported in individuals affected with MSH6-related disorders in the literature. This variant has been identified in 4/251436 chromosomes in the general population by the Genome Aggregation Database (gnomAD). The available evidence is insufficient to determine the role of this variant in disease conclusively. Therefore, this variant is classified as a Variant of Uncertain Significance.

This study involves interpretation of variants in research participants for the purpose of population health screening. Participant phenotype was not available at the time of variant classification. Additional details can be found in publication PMID: 35346344, PMCID: PMC8962531

Color Diagnostics, LLC DBA Color Health
Classification: Uncertain significance for Hereditary cancer-predisposing syndrome. Last evaluated: 2024-05-15. Review status: criteria provided, single submitter. Criteria: ACMG Guidelines, 2015. Collection method: clinical testing. Allele origin: germline.
Comment: This missense variant replaces proline with histidine at codon 1086 of the MSH6 protein. Computational prediction suggests that this variant may not impact protein structure and function (internally defined REVEL score threshold <= 0.5, PMID: 27666373). To our knowledge, functional studies have not been reported for this variant. This variant has not been reported in individuals affected with MSH6-related disorders in the literature. This variant has been identified in 4/251436 chromosomes in the general population by the Genome Aggregation Database (gnomAD). The available evidence is insufficient to determine the role of this variant in disease conclusively. Therefore, this variant is classified as a Variant of Uncertain Significance.

Molecular Pathology, Peter Maccallum Cancer Centre
Classification: Uncertain significance for Lynch syndrome 5. Last evaluated: 2024-04-17. Review status: criteria provided, single submitter. Criteria: ACMG Guidelines, 2015. Collection method: clinical testing. Allele origin: germline. Inheritance: Autosomal dominant inheritance.

GeneDx
Classification: Uncertain significance. Last evaluated: 2023-05-23. Review status: criteria provided, single submitter. Criteria: GeneDx Variant Classification Process June 2021. Collection method: clinical testing. Allele origin: germline. Affected: yes.
Comment: Not observed at significant frequency in large population cohorts (gnomAD); In silico analysis supports that this missense variant does not alter protein structure/function; Has not been previously published as pathogenic or benign to our knowledge; This variant is associated with the following publications: (PMID: 17531815, 21120944)